The following is an entry in ClinVar:

NM_001407.3(CELSR3):c.8758C>T (p.Arg2920Trp)

Gene: CELSR3 (cadherin EGF LAG seven-pass G-type receptor 3; minus strand). Cytogenetic location: 3p21.31.
Variant type: single nucleotide variant.
Coding change: c.8758C>T on transcript NM_001407.3 (MANE Select); coding-DNA position 8758, C replaced by T.
Protein change: p.Arg2920Trp; replaces arginine 2920 with tryptophan.
Molecular consequence: missense variant.
Genome position (GRCh38, 1-based): chr3:48,641,917, G>A on the plus strand (C>T on the coding strand, the complement: CELSR3 is on the minus strand). VCF-style: chr3-48641917-G-A. GRCh37 (hg19) VCF-style: chr3-48679350-G-A.
Other names: short protein forms R2920W.
Identifiers: ClinVar variation 2672069 (VCV002672069.1), dbSNP rs746195414, ClinGen allele CA2383744.

ClinVar aggregate classification (germline): Likely benign (0 of 4 stars; one submission).

Allele frequency attached by ClinVar (database versions not stated): gnomAD 0.00002; TOPMed 0.00002; ExAC 0.00003.

Submission:

Institute of Anatomy and Cell Biology, Medical Faculty, University Of Bonn
Classification: Likely benign. Last evaluated: 2023-08-16. Review status: no assertion criteria provided. Collection method: clinical testing. Allele origin: inherited. Affected: yes.
Comment: This variant was observed in compound heterozygosity with variant c.7423C>T